The following is an entry in ClinVar:

ClinVar aggregate classification (germline): Uncertain significance. Review status: criteria provided, multiple submitters, no conflicts (2 of 4 stars). 2 submissions from 2 submitters: Uncertain significance (2). Last evaluated 2025-01-13.

Allele frequency attached by ClinVar (database versions not stated): ExAC 0.00001; gnomAD exomes 0.00001; TOPMed 0.00001.
gnomAD v4.1: 14 of 1,613,192 alleles (0.00087%); highest among the groups gnomAD compares: East Asian, 0.0022%; no homozygotes.

Submissions (2):

Labcorp Genetics (formerly Invitae), Labcorp
Classification: Uncertain significance. Last evaluated: 2025-01-13. Review status: criteria provided, single submitter. Criteria: Invitae Variant Classification Sherloc (09022015). Collection method: clinical testing. Allele origin: germline.
Comment: This sequence change falls in intron 20 of the PRPF8 gene. It does not directly change the encoded amino acid sequence of the PRPF8 protein. It affects a nucleotide within the consensus splice site. This variant is present in population databases (rs776890761, gnomAD 0.007%). This variant has not been reported in the literature in individuals affected with PRPF8-related conditions. ClinVar contains an entry for this variant (Variation ID: 963350). Variants that disrupt the consensus splice site are a relatively common cause of aberrant splicing (PMID: 17576681, 9536098). Algorithms developed to predict the effect of sequence changes on RNA splicing suggest that this variant is not likely to affect RNA splicing. In summary, the available evidence is currently insufficient to determine the role of this variant in disease. Therefore, it has been classified as a Variant of Uncertain Significance.

Blueprint Genetics
Classification: Uncertain significance. Last evaluated: 2022-05-13. Review status: criteria provided, single submitter. Criteria: ACMG Guidelines, 2015. Collection method: clinical testing. Allele origin: germline.

Literature cited by the submitters: PubMed 17576681 (cited by Labcorp Genetics (formerly Invitae), Labcorp); PubMed 9536098 (cited by Labcorp Genetics (formerly Invitae), Labcorp).

NM_006445.4(PRPF8):c.3060+4C>T

Gene: PRPF8 (pre-mRNA processing factor 8; minus strand). Cytogenetic location: 17p13.3.
Variant type: single nucleotide variant.
Coding change: c.3060+4C>T on transcript NM_006445.4 (MANE Select); 4 bases into the intron after coding-DNA position 3060, C replaced by T.
Molecular consequence: intron variant.
Genome position (GRCh38, 1-based): chr17:1,675,148, G>A on the plus strand (C>T on the coding strand, the complement: PRPF8 is on the minus strand). VCF-style: chr17-1675148-G-A. GRCh37 (hg19) VCF-style: chr17-1578442-G-A.
Identifiers: ClinVar variation 963350 (VCV000963350.8), dbSNP rs776890761, ClinGen allele CA8271992.